The following is an entry in ClinVar:

ClinVar aggregate classification (germline): Benign. Review status: criteria provided, multiple submitters, no conflicts (2 of 4 stars). 3 submissions from 3 submitters: Benign (2). 1 of the submissions does not count toward it. Last evaluated 2019-12-31.

Conditions:
ZC3H4-related disorder. Also called: ZC3H4-related condition.

Allele frequency attached by ClinVar (database versions not stated): gnomAD exomes 0.00713; gnomAD 0.02445; 1000 Genomes Project 0.02596; ESP Exome Variant Server 0.01819; 1000 Genomes Project 30x 0.02826; TOPMed 0.02971; ExAC 0.00843.
gnomAD v4.1: 10,616 of 1,587,558 alleles (0.67%); highest among the groups gnomAD compares: African/African-American, 8%; 287 homozygotes.

Submissions (3):

Labcorp Genetics (formerly Invitae), Labcorp
Classification: Benign. Last evaluated: 2019-12-31. Review status: criteria provided, single submitter. Criteria: Invitae Variant Classification Sherloc (09022015). Collection method: clinical testing. Allele origin: germline.

Breakthrough Genomics
Classification: Benign. Review status: criteria provided, single submitter. Criteria: ACMG Guidelines, 2015. Collection method: not provided. Allele origin: germline. Inheritance: Unknown mechanism. Affected: yes.

PreventionGenetics, part of Exact Sciences
Classification: Benign for ZC3H4-related condition. Last evaluated: 2019-11-06. Review status: no assertion criteria provided. Collection method: clinical testing. Allele origin: germline. Not counted in ClinVar's aggregate classification.
Comment: This variant is classified as benign based on ACMG/AMP sequence variant interpretation guidelines (Richards et al. 2015 PMID: 25741868, with internal and published modifications).

NM_015168.2(ZC3H4):c.1890T>C (p.Pro630=)

Gene: ZC3H4 (zinc finger CCCH-type containing 4; minus strand). Cytogenetic location: 19q13.32.
Variant type: single nucleotide variant.
Coding change: c.1890T>C on transcript NM_015168.2 (MANE Select); coding-DNA position 1890, T replaced by C.
Protein change: p.Pro630=; no amino-acid change (proline 630 retained).
Molecular consequence: synonymous variant.
Genome position (GRCh38, 1-based): chr19:47,072,034, A>G on the plus strand (T>C on the coding strand, the complement: ZC3H4 is on the minus strand). VCF-style: chr19-47072034-A-G. GRCh37 (hg19) VCF-style: chr19-47575291-A-G.
Identifiers: ClinVar variation 770288 (VCV000770288.7), dbSNP rs79459609, ClinGen allele CA9535075.